The following is an entry in ClinVar:

ClinVar aggregate classification (germline): Likely benign (0 of 4 stars; one submission).

Conditions:
PLXNA3-related disorder. Also called: PLXNA3-related condition.

gnomAD v4.1: 3 of 1,211,234 alleles (0.00025%); highest among the groups gnomAD compares: South Asian, 0.0035%; no homozygotes.

Submission:

PreventionGenetics, part of Exact Sciences
Classification: Likely benign for PLXNA3-related condition. Last evaluated: 2021-12-14. Review status: no assertion criteria provided. Collection method: clinical testing. Allele origin: germline.
Comment: This variant is classified as likely benign based on ACMG/AMP sequence variant interpretation guidelines (Richards et al. 2015 PMID: 25741868, with internal and published modifications).

NM_017514.5(PLXNA3):c.1029C>T (p.Ser343=)

Gene: PLXNA3 (plexin A3; plus strand). Cytogenetic location: Xq28.
Variant type: single nucleotide variant.
Coding change: c.1029C>T on transcript NM_017514.5 (MANE Select); coding-DNA position 1029, C replaced by T.
Protein change: p.Ser343=; no amino-acid change (serine 343 retained).
Molecular consequence: synonymous variant.
Genome position (GRCh38, 1-based): chrX:154,461,533, C>T. VCF-style: chrX-154461533-C-T. GRCh37 (hg19) VCF-style: chrX-153689873-C-T.
Identifiers: ClinVar variation 3355622 (VCV003355622.1).
Genomic context (GRCh38, chrX:154,461,533, plus strand): 5'-GGGCCAGAAGAACCGGGCCAGCCCACCCCGGCAGACCATCCTCTGCCTCTTCACCCTCAG[C>T]AACATCAATGCCCACATCCGGCGCCGCATCCAGTCCTGCTATCGTGGGGAGGGCACTCTG-3'
Protein context (NP_059984.3, residues 333-353): RQTILCLFTL[Ser343=]NINAHIRRRI